The following is an entry in ClinVar:

NM_033087.4(ALG2):c.347A>G (p.Gln116Arg)

Gene: ALG2 (ALG2 alpha-1,3/1,6-mannosyltransferase; minus strand). Cytogenetic location: 9q22.33.
Variant type: single nucleotide variant.
Coding change: c.347A>G on transcript NM_033087.4 (MANE Select); coding-DNA position 347, A replaced by G.
Protein change: p.Gln116Arg; replaces glutamine 116 with arginine.
Molecular consequence: missense variant. On other transcripts: non-coding transcript variant (1).
Genome position (GRCh38, 1-based): chr9:99,221,548, T>C on the plus strand (A>G on the coding strand, the complement: ALG2 is on the minus strand). VCF-style: chr9-99221548-T-C. GRCh37 (hg19) VCF-style: chr9-101983830-T-C.
Other names: short protein forms Q116R.
Identifiers: ClinVar variation 1519219 (VCV001519219.8), dbSNP rs2119007195, ClinGen allele CA374231139.
Genomic context (GRCh38, chr9:99,221,548, plus strand): 5'-CGCGGCCGCCCTCCACGGCGAGGTCCGCACTCGCGCAGCCGGCCCCGCGGCCGCCTCACC[T>C]GGTCGCACACTACCACGTCGAACTCCTCGTCGGCGAGGAACAGCACGTAGAGCGCCAGGA-3'
Protein context (NP_149078.1, residues 106-126): DEEFDVVVCD[Gln116Arg]VSACIPVFRL

ClinVar aggregate classification (germline): Uncertain significance (1 of 4 stars; one submission).

Conditions:
Congenital disorder of glycosylation, type Ii. Also called: ALG2-CDG; CDG Ii; ALG2-congenital disorder of glycosylation. Identifiers: Orphanet 79326, MedGen C1842836, MONDO:0011933, OMIM 607906.
Congenital myasthenic syndrome 14. Also called: Myasthenic syndrome, congenital, 14, with tubular aggregates. Identifiers: Orphanet 353327, Orphanet 590, MedGen C4015597, MONDO:0014543, OMIM 616228.

Submission:

Labcorp Genetics (formerly Invitae), Labcorp
Classification: Uncertain significance for Congenital disorder of glycosylation, type Ii; Congenital myasthenic syndrome 14. Last evaluated: 2022-04-25. Review status: criteria provided, single submitter. Criteria: Invitae Variant Classification Sherloc (09022015). Collection method: clinical testing. Allele origin: germline.
Comment: Algorithms developed to predict the effect of missense changes on protein structure and function are either unavailable or do not agree on the potential impact of this missense change (SIFT: "Tolerated"; PolyPhen-2: "Probably Damaging"; Align-GVGD: "Class C0"). This variant has not been reported in the literature in individuals affected with ALG2-related conditions. This variant is not present in population databases (gnomAD no frequency). This sequence change replaces glutamine, which is neutral and polar, with arginine, which is basic and polar, at codon 116 of the ALG2 protein (p.Gln116Arg). Algorithms developed to predict the effect of sequence changes on RNA splicing suggest that this variant may create or strengthen a splice site. In summary, the available evidence is currently insufficient to determine the role of this variant in disease. Therefore, it has been classified as a Variant of Uncertain Significance.